The following is an entry in ClinVar:

NM_006662.3(SRCAP):c.9165TGA[1] (p.Asp3056del)

Gene: SRCAP (Snf2 related CREBBP activator protein; plus strand). Cytogenetic location: 16p11.2.
Variant type: Microsatellite.
Coding change: c.9165TGA[1] on transcript NM_006662.3 (MANE Select); one copy of the 3-base unit TGA starting at c.9165; the reference has two copies in a row; one copy, 3 bases deleted.
Protein change: p.Asp3056del; deletes aspartic acid 3056.
Molecular consequence: inframe deletion.
Genome position (GRCh38, 1-based): chr16:30,739,208-30,739,210, TGA deleted; deleting any 3 consecutive bases within chr16:30,739,205-30,739,210 gives the same sequence; the position shown is the placement nearest the transcript's 3' end. VCF-style (leftmost placement, unchanged base first): chr16-30739204-CTGA-C. GRCh37 (hg19) VCF-style: chr16-30750525-CTGA-C.
Other names: short protein forms D3056del.
Identifiers: ClinVar variation 2122714 (VCV002122714.4), dbSNP rs2543430676, ClinGen allele CA2580613465.

ClinVar aggregate classification (germline): Uncertain significance (1 of 4 stars; one submission).

Submission:

Labcorp Genetics (formerly Invitae), Labcorp
Classification: Uncertain significance. Last evaluated: 2022-05-21. Review status: criteria provided, single submitter. Criteria: Invitae Variant Classification Sherloc (09022015). Collection method: clinical testing. Allele origin: germline.
Comment: In summary, the available evidence is currently insufficient to determine the role of this variant in disease. Therefore, it has been classified as a Variant of Uncertain Significance. This variant is not present in population databases (gnomAD no frequency). This variant has not been reported in the literature in individuals affected with SRCAP-related conditions. Experimental studies and prediction algorithms are not available or were not evaluated, and the functional significance of this variant is currently unknown. This variant, c.9168_9170del, results in the deletion of 1 amino acid(s) of the SRCAP protein (p.Asp3056del), but otherwise preserves the integrity of the reading frame.